The following is an entry in ClinVar:

ClinVar aggregate classification (germline): Benign/Likely benign. Review status: criteria provided, multiple submitters, no conflicts (2 of 4 stars). 4 submissions from 4 submitters: Benign (1); Likely benign (3). Last evaluated 2025-12-01.

Allele frequency attached by ClinVar (database versions not stated): gnomAD exomes 0.00019 and 0.00059; ExAC 0.00066; ESP Exome Variant Server 0.00200; gnomAD 0.00228 and 0.00244; 1000 Genomes Project 0.00280; 1000 Genomes Project 30x 0.00281; TOPMed 0.00291.
gnomAD v4.1: 652 of 1,614,204 alleles (0.04%); highest among the groups gnomAD compares: African/African-American, 0.74%; 2 homozygotes.

Submissions (4):

Labcorp Genetics (formerly Invitae), Labcorp
Classification: Benign. Last evaluated: 2025-12-01. Review status: criteria provided, single submitter. Criteria: Invitae Variant Classification Sherloc (09022015). Collection method: clinical testing. Allele origin: germline.

CeGaT Center for Human Genetics Tuebingen
Classification: Likely benign. Last evaluated: 2025-04-01. Review status: criteria provided, single submitter. Criteria: CeGaT Center For Human Genetics Tuebingen Variant Classification Criteria Version 2. Collection method: clinical testing. Allele origin: germline. Affected: yes. Observed: 1 variant allele.
Comment: ERMARD: BP4

Blueprint Genetics
Classification: Likely benign. Last evaluated: 2024-05-28. Review status: criteria provided, single submitter. Criteria: ACMG Guidelines, 2015. Collection method: clinical testing. Allele origin: germline.

GeneDx
Classification: Likely benign. Last evaluated: 2017-10-16. Review status: criteria provided, single submitter. Criteria: GeneDx Variant Classification (06012015). Collection method: clinical testing. Allele origin: germline. Affected: yes.
Comment: This variant is considered likely benign or benign based on one or more of the following criteria: it is a conservative change, it occurs at a poorly conserved position in the protein, it is predicted to be benign by multiple in silico algorithms, and/or has population frequency not consistent with disease.

NM_018341.3(ERMARD):c.1329T>C (p.Cys443=)

Gene: ERMARD (ER membrane associated RNA degradation; plus strand). Cytogenetic location: 6q27.
Variant type: single nucleotide variant.
Coding change: c.1329T>C on transcript NM_018341.3 (MANE Select); coding-DNA position 1329, T replaced by C.
Protein change: p.Cys443=; no amino-acid change (cysteine 443 retained).
Molecular consequence: synonymous variant.
Genome position (GRCh38, 1-based): chr6:169,775,281, T>C. VCF-style: chr6-169775281-T-C. GRCh37 (hg19) VCF-style: chr6-170175377-T-C.
Other names: c.1329T>C, p.Cys443= (NM_001278531.2, NM_001278533.2); c.951T>C, p.Cys317= (NM_001278532.2).
Identifiers: ClinVar variation 388446 (VCV000388446.19), dbSNP rs76173501, ClinGen allele CA4106225.